The following is an entry in ClinVar:

NM_001127222.2(CACNA1A):c.6757C>T (p.Arg2253Ter)

Genes: CACNA1A (calcium voltage-gated channel subunit alpha1 A; minus strand), LOC130063717 (ATAC-STARR-seq lymphoblastoid silent region 10203; plus strand). Cytogenetic location: 19p13.13.
Variant type: single nucleotide variant.
Coding change: c.6757C>T on transcript NM_001127222.2 (MANE Select); coding-DNA position 6757, C replaced by T.
Protein change: p.Arg2253Ter; replaces arginine 2253 with a stop codon.
Molecular consequence: nonsense.
Genome position (GRCh38, 1-based): chr19:13,208,779, G>A on the plus strand (C>T on the coding strand, the complement: CACNA1A is on the minus strand). VCF-style: chr19-13208779-G-A. GRCh37 (hg19) VCF-style: chr19-13319593-G-A.
Other names: c.6757C>T (NM_001127222.1); c.6775C>T, p.Arg2259Ter (NM_000068.4, NM_023035.3); c.6760C>T, p.Arg2254Ter (NM_001127221.2); c.6766C>T, p.Arg2256Ter (NM_001174080.2); c.6760C>T (NM_001127221.1); short protein forms R2253*, R2256*, R2254*, R2259*.
Identifiers: ClinVar variation 1359107 (VCV001359107.10), dbSNP rs1166102159, ClinGen allele CA404329412.
Genomic context (GRCh38, chr19:13,208,779, plus strand): 5'-CCGAGCCCAGCCTGGGGTCACTTGCAGCCGCACCCACCTGCCGGTGCGCCATGTGCTCTC[G>A]GCCCTCGCTGGGCGAGCGGGACCAGCGCTGGTCCCGAGCCCGTGCCCGGCCGTGGTCCGG-3'

ClinVar aggregate classification (germline): Uncertain significance. Review status: criteria provided, multiple submitters, no conflicts (2 of 4 stars). 3 submissions from 3 submitters: Uncertain significance (3). Last evaluated 2025-09-04.

Conditions:
Episodic ataxia type 2 (EA2). Also called: EPISODIC ATAXIA, NYSTAGMUS-ASSOCIATED; ACETAZOLAMIDE-RESPONSIVE HEREDITARY PAROXYSMAL CEREBELLAR ATAXIA; ATAXIA, EPISODIC, WITH NYSTAGMUS; ATAXIA, FAMILIAL PAROXYSMAL; CEREBELLAR ATAXIA, PAROXYSMAL, ACETAZOLAMIDE-RESPONSIVE; CEREBELLOPATHY, HEREDITARY PAROXYSMAL. Identifiers: Orphanet 97, MedGen C1720416, MONDO:0007163, OMIM 108500.
Developmental and epileptic encephalopathy, 42 (DEE42A). Also called: Epileptic encephalopathy, early infantile, 42; DEVELOPMENTAL AND EPILEPTIC ENCEPHALOPATHY 42A; EPILEPTIC ENCEPHALOPATHY, EARLY INFANTILE, 42A. Identifiers: MedGen C4310716, MONDO:0014917, OMIM 617106.
CACNA1A-related disorder. Also called: CACNA1A-related condition.

Allele frequency attached by ClinVar (database versions not stated): gnomAD exomes 0.00001.
gnomAD v4.1: 2 of 1,568,660 alleles (0.00013%); highest among the groups gnomAD compares: Non-Finnish European, 0.00017%; no homozygotes.

Submissions (3):

PreventionGenetics, part of Exact Sciences
Classification: Uncertain significance for CACNA1A-related condition. Last evaluated: 2025-09-04. Review status: criteria provided, single submitter. Criteria: ACMG Guidelines, 2015. Collection method: clinical testing. Allele origin: germline.
Comment: The CACNA1A c.6757C>T variant is predicted to result in premature protein termination (p.Arg2253*). To our knowledge, this variant has not been reported in the literature. This variant is located in the penultimate exon of the CACNA1A gene, and downstream of other causative early termination variants reported in the literature (Human Gene Mutation Database). This variant is reported in 0.0012% of alleles in individuals of European (Non-Finnish) descent in gnomAD. At this time, the clinical significance of this variant is uncertain due to the absence of conclusive functional and genetic evidence.

Labcorp Genetics (formerly Invitae), Labcorp
Classification: Uncertain significance for Developmental and epileptic encephalopathy, 42; Episodic ataxia type 2. Last evaluated: 2025-01-09. Review status: criteria provided, single submitter. Criteria: Invitae Variant Classification Sherloc (09022015). Collection method: clinical testing. Allele origin: germline.
Comment: This sequence change creates a premature translational stop signal (p.Arg2254*) in the CACNA1A gene. While this is not anticipated to result in nonsense mediated decay, it is expected to disrupt the last 8 amino acid(s) of the CACNA1A protein. The frequency data for this variant in the population databases is considered unreliable, as metrics indicate poor data quality at this position in the gnomAD database. This variant has not been reported in the literature in individuals affected with CACNA1A-related conditions. ClinVar contains an entry for this variant (Variation ID: 1359107). Experimental studies and prediction algorithms are not available or were not evaluated, and the functional significance of this variant is currently unknown. In summary, the available evidence is currently insufficient to determine the role of this variant in disease. Therefore, it has been classified as a Variant of Uncertain Significance.

GeneDx
Classification: Uncertain significance. Last evaluated: 2023-07-26. Review status: criteria provided, single submitter. Criteria: GeneDx Variant Classification Process June 2021. Collection method: clinical testing. Allele origin: germline. Affected: yes.
Comment: Not observed at significant frequency in large population cohorts (gnomAD); Nonsense variant predicted to result in protein truncation as the last 8 amino acids are lost, although loss-of-function variants have not been reported downstream of this position in the protein; Has not been previously published as pathogenic or benign to our knowledge